The following is an entry in ClinVar:

NM_001199138.2(NLRC4):c.2908T>A (p.Phe970Ile)

Gene: NLRC4 (NLR family CARD domain containing 4; minus strand). Cytogenetic location: 2p22.3.
Variant type: single nucleotide variant.
Coding change: c.2908T>A on transcript NM_001199138.2 (MANE Select); coding-DNA position 2908, T replaced by A.
Protein change: p.Phe970Ile; replaces phenylalanine 970 with isoleucine.
Molecular consequence: missense variant.
Genome position (GRCh38, 1-based): chr2:32,224,640, A>T on the plus strand (T>A on the coding strand, the complement: NLRC4 is on the minus strand). VCF-style: chr2-32224640-A-T. GRCh37 (hg19) VCF-style: chr2-32449709-A-T.
Other names: c.2908T>A, p.Phe970Ile (NM_001199139.2, NM_021209.5); c.913T>A, p.Phe305Ile (NM_001302504.2); short protein forms F305I, F970I.
Identifiers: ClinVar variation 2014200 (VCV002014200.4), dbSNP rs2466688331, ClinGen allele CA346519352.

ClinVar aggregate classification (germline): Uncertain significance (1 of 4 stars; one submission).

Conditions:
Periodic fever-infantile enterocolitis-autoinflammatory syndrome. Also called: Autoinflammation with infantile enterocolitis. Identifiers: Orphanet 436166, MedGen C4015067, MONDO:0014472, OMIM 616050.
Familial cold autoinflammatory syndrome 4 (FCAS4). Identifiers: Orphanet 47045, Orphanet 576349, MedGen C4015276, MONDO:0014498, OMIM 616115.

Submission:

Labcorp Genetics (formerly Invitae), Labcorp
Classification: Uncertain significance for Periodic fever-infantile enterocolitis-autoinflammatory syndrome; Familial cold autoinflammatory syndrome 4. Last evaluated: 2022-07-05. Review status: criteria provided, single submitter. Criteria: Invitae Variant Classification Sherloc (09022015). Collection method: clinical testing. Allele origin: germline.
Comment: This variant has not been reported in the literature in individuals affected with NLRC4-related conditions. This variant is not present in population databases (gnomAD no frequency). This sequence change replaces phenylalanine, which is neutral and non-polar, with isoleucine, which is neutral and non-polar, at codon 970 of the NLRC4 protein (p.Phe970Ile). Algorithms developed to predict the effect of missense changes on protein structure and function (SIFT, PolyPhen-2, Align-GVGD) all suggest that this variant is likely to be tolerated. In summary, the available evidence is currently insufficient to determine the role of this variant in disease. Therefore, it has been classified as a Variant of Uncertain Significance.